The following is an entry in ClinVar:

NM_001384140.1(PCDH15):c.2825del (p.Gly942fs)

Gene: PCDH15 (protocadherin related 15; minus strand). Cytogenetic location: 10q21.1.
Variant type: Deletion.
Coding change: c.2825del on transcript NM_001384140.1 (MANE Select); coding-DNA position 2825, one base deleted (G; older notation c.2825delG).
Protein change: p.Gly942fs; shifts the reading frame from glycine 942.
Molecular consequence: frameshift variant.
Genome position (GRCh38, 1-based): chr10:53,995,692, C deleted on the plus strand (G on the coding strand, the reverse complement: PCDH15 is on the minus strand); the first of 3 consecutive C bases (chr10:53,995,692-53,995,694); deleting any one gives the same sequence. VCF-style (leftmost placement, unchanged base first): chr10-53995691-AC-A. GRCh37 (hg19) VCF-style: chr10-55755451-AC-A.
Other names: NM_001384140.1(PCDH15):c.2825del; p.Gly942fs; c.2840del, p.Gly947fs (NM_001142763.2, NM_001142771.2); c.2825del, p.Gly942fs (NM_001142764.2, NM_001142766.2, NM_001142770.3 and 5 more transcripts); c.2612del, p.Gly871fs (NM_001142765.2); c.2714del, p.Gly905fs (NM_001142767.2); c.2759del, p.Gly920fs (NM_001142768.2, NM_001142773.2, NM_001354404.2); c.2859delG, p.Gly954Valfs (NM_001142769.4); and 1 more; short protein forms G905fs, G920fs, G942fs, G954fs, G871fs, G947fs, G949fs.
Identifiers: ClinVar variation 370828 (VCV000370828.12), dbSNP rs758685587, ClinGen allele CA5505917.

ClinVar aggregate classification (germline): Pathogenic/Likely pathogenic. Review status: criteria provided, multiple submitters, no conflicts (2 of 4 stars). 5 submissions from 5 submitters: Pathogenic (3); Likely pathogenic (1). 1 of the submissions does not count toward it. Last evaluated 2024-10-28.

Conditions:
Usher syndrome type 1F (USH1F). Also called: USHER SYNDROME, TYPE IF. Identifiers: Orphanet 231169, Orphanet 886, MedGen C1865885, MONDO:0011186, OMIM 602083.
Autosomal recessive nonsyndromic hearing loss 23. Identifiers: Orphanet 90636, MedGen C1836027, MONDO:0012293, OMIM 609533.

Submissions (5):

Labcorp Genetics (formerly Invitae), Labcorp
Classification: Pathogenic. Last evaluated: 2024-10-28. Review status: criteria provided, single submitter. Criteria: Invitae Variant Classification Sherloc (09022015). Collection method: clinical testing. Allele origin: germline.
Comment: This sequence change creates a premature translational stop signal (p.Gly942Valfs*22) in the PCDH15 gene. It is expected to result in an absent or disrupted protein product. Loss-of-function variants in PCDH15 are known to be pathogenic (PMID: 11398101, 11487575, 14570705). This variant is present in population databases (rs758685587, gnomAD 0.004%). This premature translational stop signal has been observed in individual(s) with Usher syndrome (PMID: 22135276). ClinVar contains an entry for this variant (Variation ID: 370828). For these reasons, this variant has been classified as Pathogenic.

Baylor Genetics
Classification: Pathogenic for Autosomal recessive nonsyndromic hearing loss 23. Last evaluated: 2023-12-22. Review status: criteria provided, single submitter. Criteria: ACMG Guidelines, 2015. Collection method: clinical testing. Allele origin: unknown.

Broad Center for Mendelian Genomics, Broad Institute of MIT and Harvard
Classification: Pathogenic for Usher syndrome type 1F. Last evaluated: 2023-01-24. Review status: criteria provided, single submitter. Criteria: ACMG Guidelines, 2015. Collection method: curation. Allele origin: germline. Inheritance: Autosomal recessive inheritance.
Comment: The p.Gly942fs variant in PCDH15 has been reported in 1 individual, in the homozygous state, with Usher syndrome type 1F (PMID: 22135276), and has been identified in 0.004% (1/24954) of African/African American chromosomes by the Genome Aggregation Database (gnomAD; dbSNP ID: rs758685587). Although this variant has been seen in the general population in a heterozygous state, its frequency is low enough to be consistent with a recessive carrier frequency. This variant has also been reported in ClinVar (Variation ID#: 370828) and has been interpreted as pathogenic or likely pathogenic by Invitae, Counsyl, Women's Health and Genetics/Laboratory Corporation of America (LabCorp). This variant is predicted to cause a frameshift, which alters the protein‚Äôs amino acid sequence beginning at position 942 and leads to a premature termination codon 22 amino acids downstream. This alteration is then predicted to lead to a truncated or absent protein. Loss of function of the PCDH15 gene is an established disease mechanism in autosomal recessive Usher syndrome type 1F. In summary, this variant meets criteria to be classified as pathogenic for autosomal recessive Usher syndrome type 1F. ACMG/AMP Criteria applied: PVS1, PM2_supporting, PM3_supporting (Richards 2015).

Women's Health and Genetics/Laboratory Corporation of America, LabCorp
Classification: Likely pathogenic for Usher syndrome type 1F. Last evaluated: 2022-03-23. Review status: criteria provided, single submitter. Criteria: LabCorp Variant Classification Summary - May 2015. Collection method: clinical testing. Allele origin: germline.
Comment: Variant summary: PCDH15 c.2825delG (p.Gly942ValfsX22) results in a premature termination codon, predicted to cause a truncation of the encoded protein or absence of the protein due to nonsense mediated decay, which are commonly known mechanisms for disease. Truncations downstream of this position have been classified as pathogenic by our laboratory. The variant allele was found at a frequency of 4e-06 in 251078 control chromosomes. c.2825delG has been reported in the literature as a homozygous genotype in at-least one individual affected with Usher Syndrome Type 1F (example, Le Quesne Stabej_2012). These data indicate that the variant may be associated with disease. To our knowledge, no experimental evidence demonstrating an impact on protein function has been reported. One clinical diagnostic laboratory has submitted clinical-significance assessments for this variant to ClinVar after 2014 without evidence for independent evaluation and classified the variant as likely pathogenic. Based on the evidence outlined above, the variant was classified as likely pathogenic.

Counsyl
Classification: Likely pathogenic for Usher syndrome type 1F. Last evaluated: 2016-04-28. Review status: no assertion criteria provided. Collection method: clinical testing. Allele origin: unknown. Not counted in ClinVar's aggregate classification.

Literature cited by the submitters: PubMed 11398101 (cited by Labcorp Genetics (formerly Invitae), Labcorp); PubMed 11487575 (cited by Labcorp Genetics (formerly Invitae), Labcorp); PubMed 14570705 (cited by Labcorp Genetics (formerly Invitae), Labcorp); PubMed 22135276 (cited by 3 submitters).